The following is an entry in ClinVar:

ClinVar aggregate classification (germline): Uncertain significance (1 of 4 stars; one submission).

Conditions:
Arrhythmogenic right ventricular dysplasia 12. Also called: ARRHYTHMOGENIC RIGHT VENTRICULAR DYSPLASIA, FAMILIAL, 12. Identifiers: MedGen C1969081, MONDO:0012684, OMIM 611528.
Naxos disease (NXD). Also called: PALMOPLANTAR KERATODERMA WITH ARRHYTHMOGENIC RIGHT VENTRICULAR CARDIOMYOPATHY AND WOOLLY HAIR; WOOLLY HAIR, PALMOPLANTAR KERATODERMA, AND CARDIAC ABNORMALITIES; KERATOSIS PALMOPLANTARIS WITH ARRHYTHMOGENIC CARDIOMYOPATHY; MAL DE NAXOS; CARDIOMYOPATHY, ARRHYTHMOGENIC RIGHT VENTRICULAR, WITH SKIN, HAIR, AND NAIL ABNORMALITIES. Identifiers: Orphanet 34217, MedGen C1832600, MONDO:0011017, OMIM 601214.

Submission:

Labcorp Genetics (formerly Invitae), Labcorp
Classification: Uncertain significance for Arrhythmogenic right ventricular dysplasia 12; Naxos disease. Last evaluated: 2021-04-14. Review status: criteria provided, single submitter. Criteria: Invitae Variant Classification Sherloc (09022015). Collection method: clinical testing. Allele origin: germline.
Comment: In summary, the available evidence is currently insufficient to determine the role of this variant in disease. Therefore, it has been classified as a Variant of Uncertain Significance. Algorithms developed to predict the effect of missense changes on protein structure and function output the following: SIFT: "Tolerated"; PolyPhen-2: "Benign"; Align-GVGD: "Class C0". The threonine amino acid residue is found in multiple mammalian species, suggesting that this missense change does not adversely affect protein function. These predictions have not been confirmed by published functional studies and their clinical significance is uncertain. This variant has not been reported in the literature in individuals with JUP-related conditions. This variant is not present in population databases (ExAC no frequency). This sequence change replaces alanine with threonine at codon 110 of the JUP protein (p.Ala110Thr). The alanine residue is weakly conserved and there is a small physicochemical difference between alanine and threonine.

NM_002230.4(JUP):c.328G>A (p.Ala110Thr)

Gene: JUP (junction plakoglobin; minus strand). Cytogenetic location: 17q21.2.
Variant type: single nucleotide variant.
Coding change: c.328G>A on transcript NM_002230.4 (MANE Select); coding-DNA position 328, G replaced by A.
Protein change: p.Ala110Thr; replaces alanine 110 with threonine.
Molecular consequence: missense variant.
Genome position (GRCh38, 1-based): chr17:41,769,558, C>T on the plus strand (G>A on the coding strand, the complement: JUP is on the minus strand). VCF-style: chr17-41769558-C-T. GRCh37 (hg19) VCF-style: chr17-39925810-C-T.
Other names: c.328G>A, p.Ala110Thr (NM_001352773.2, NM_001352774.2, NM_001352775.2 and 3 more transcripts); short protein forms A110T.
Identifiers: ClinVar variation 1482629 (VCV001482629.8), dbSNP rs1916275770, ClinGen allele CA399505426.